The following is an entry in ClinVar:

ClinVar aggregate classification (germline): Pathogenic (1 of 4 stars; one submission).

Conditions:
Muscular dystrophy-dystroglycanopathy (congenital with impaired intellectual development), type B, 2. Also called: MUSCULAR DYSTROPHY, CONGENITAL, POMT2-RELATED; Muscular dystrophy-dystroglycanopathy (congenital with intellectual disability), type B2. Identifiers: MedGen C3150416, MONDO:0013160, OMIM 613156.
Muscular dystrophy-dystroglycanopathy (congenital with brain and eye anomalies), type A2. Also called: MUSCULAR DYSTROPHY-DYSTROGLYCANOPATHY (CONGENITAL WITH BRAIN AND EYE ANOMALIES), TYPE A, 2; WALKER-WARBURG SYNDROME OR MUSCLE-EYE-BRAIN DISEASE, POMT2-RELATED. Identifiers: Orphanet 588, Orphanet 899, MedGen C3150411, MONDO:0013154, OMIM 613150.
Autosomal recessive limb-girdle muscular dystrophy type 2N. Also called: MUSCULAR DYSTROPHY-DYSTROGLYCANOPATHY, LIMB-GIRDLE, POMT2-RELATED; Muscular dystrophy-dystroglycanopathy (limb-girdle), type C, 2. Identifiers: Orphanet 206559, MedGen C3150418, MONDO:0013162, OMIM 613158.

Submission:

Labcorp Genetics (formerly Invitae), Labcorp
Classification: Pathogenic for Muscular dystrophy-dystroglycanopathy (congenital with impaired intellectual development), type B, 2; Muscular dystrophy-dystroglycanopathy (congenital with brain and eye anomalies), type A2; Autosomal recessive limb-girdle muscular dystrophy type 2N. Last evaluated: 2024-03-16. Review status: criteria provided, single submitter. Criteria: Invitae Variant Classification Sherloc (09022015). Collection method: clinical testing. Allele origin: germline.
Comment: This sequence change creates a premature translational stop signal (p.Leu526*) in the POMT2 gene. It is expected to result in an absent or disrupted protein product. Loss-of-function variants in POMT2 are known to be pathogenic (PMID: 15894594). This variant is not present in population databases (gnomAD no frequency). This variant has not been reported in the literature in individuals affected with POMT2-related conditions. For these reasons, this variant has been classified as Pathogenic.

Literature cited by the submitters: PubMed 15894594.

NM_013382.7(POMT2):c.1577T>A (p.Leu526Ter)

Gene: POMT2 (protein O-mannosyltransferase 2; minus strand). Cytogenetic location: 14q24.3.
Variant type: single nucleotide variant.
Coding change: c.1577T>A on transcript NM_013382.7 (MANE Select); coding-DNA position 1577, T replaced by A.
Protein change: p.Leu526Ter; replaces leucine 526 with a stop codon.
Molecular consequence: nonsense.
Genome position (GRCh38, 1-based): chr14:77,283,873, A>T on the plus strand (T>A on the coding strand, the complement: POMT2 is on the minus strand). VCF-style: chr14-77283873-A-T. GRCh37 (hg19) VCF-style: chr14-77750216-A-T.
Other names: short protein forms L526*.
Identifiers: ClinVar variation 2933596 (VCV002933596.3), dbSNP rs1890320711, ClinGen allele CA390516515.
Genomic context (GRCh38, chr14:77,283,873, plus strand): 5'-TGGGATTCCAGCAAGATCTCAGGAAAACTGGGCTGTAGCACATCCAGGCTGATGTTTGGC[A>T]CTAGGGGAAAAAAATGCAGGAGAAAAGCCTTTGTCATACATTCTTTCCTCAGTCTGTCCA-3'